The following is an entry in ClinVar:

ClinVar aggregate classification (germline): Uncertain significance (1 of 4 stars; one submission).

Allele frequency attached by ClinVar (database versions not stated): gnomAD exomes 0.00002.
gnomAD v4.1: 22 of 1,612,692 alleles (0.0014%); highest among the groups gnomAD compares: Non-Finnish European, 0.0019%; no homozygotes.

Submission:

Labcorp Genetics (formerly Invitae), Labcorp
Classification: Uncertain significance. Last evaluated: 2023-03-21. Review status: criteria provided, single submitter. Criteria: Invitae Variant Classification Sherloc (09022015). Collection method: clinical testing. Allele origin: germline.
Comment: This sequence change replaces glutamic acid, which is acidic and polar, with glutamine, which is neutral and polar, at codon 301 of the FLNB protein (p.Glu301Gln). This variant is present in population databases (no rsID available, gnomAD 0.0009%). This variant has not been reported in the literature in individuals affected with FLNB-related conditions. Advanced modeling of protein sequence and biophysical properties (such as structural, functional, and spatial information, amino acid conservation, physicochemical variation, residue mobility, and thermodynamic stability) performed at Invitae indicates that this missense variant is not expected to disrupt FLNB protein function. In summary, the available evidence is currently insufficient to determine the role of this variant in disease. Therefore, it has been classified as a Variant of Uncertain Significance.

NM_001457.4(FLNB):c.901G>C (p.Glu301Gln)

Gene: FLNB (filamin B; plus strand). Cytogenetic location: 3p14.3.
Variant type: single nucleotide variant.
Coding change: c.901G>C on transcript NM_001457.4 (MANE Select); coding-DNA position 901, G replaced by C.
Protein change: p.Glu301Gln; replaces glutamic acid 301 with glutamine.
Molecular consequence: missense variant.
Genome position (GRCh38, 1-based): chr3:58,094,949, G>C. VCF-style: chr3-58094949-G-C. GRCh37 (hg19) VCF-style: chr3-58080676-G-C.
Other names: c.901G>C, p.Glu301Gln (NM_001164317.2, NM_001164318.2, NM_001164319.2); short protein forms E301Q.
Identifiers: ClinVar variation 2896281 (VCV002896281.3), dbSNP rs1207447868, ClinGen allele CA353334566.